The following is an entry in ClinVar:

ClinVar aggregate classification (germline): Uncertain significance. Review status: criteria provided, multiple submitters, no conflicts (2 of 4 stars). 2 submissions from 2 submitters: Uncertain significance (2). Last evaluated 2024-11-28.

Allele frequency attached by ClinVar (database versions not stated): gnomAD 0.00005; TOPMed 0.00005.
gnomAD v4.1: 15 of 1,611,720 alleles (0.00093%); highest among the groups gnomAD compares: African/African-American, 0.019%; no homozygotes.

Submissions (2):

Ambry Genetics
Classification: Uncertain significance. Last evaluated: 2024-11-28. Review status: criteria provided, single submitter. Criteria: Ambry Variant Classification Scheme 2023. Collection method: clinical testing. Allele origin: germline.

Labcorp Genetics (formerly Invitae), Labcorp
Classification: Uncertain significance. Last evaluated: 2022-10-25. Review status: criteria provided, single submitter. Criteria: Invitae Variant Classification Sherloc (09022015). Collection method: clinical testing. Allele origin: germline.
Comment: In summary, the available evidence is currently insufficient to determine the role of this variant in disease. Therefore, it has been classified as a Variant of Uncertain Significance. Algorithms developed to predict the effect of missense changes on protein structure and function are either unavailable or do not agree on the potential impact of this missense change (SIFT: "Deleterious"; PolyPhen-2: "Possibly Damaging"; Align-GVGD: "Class C0"). This variant has not been reported in the literature in individuals affected with FAM65B-related conditions. This variant is present in population databases (rs780014769, gnomAD 0.02%). This sequence change replaces aspartic acid, which is acidic and polar, with histidine, which is basic and polar, at codon 86 of the FAM65B protein (p.Asp86His).

NM_001286445.3(RIPOR2):c.343G>C (p.Asp115His)

Gene: RIPOR2 (RHO family interacting cell polarization regulator 2; minus strand). Cytogenetic location: 6p22.3.
Variant type: single nucleotide variant.
Coding change: c.343G>C on transcript NM_001286445.3 (MANE Select); coding-DNA position 343, G replaced by C.
Protein change: p.Asp115His; replaces aspartic acid 115 with histidine.
Molecular consequence: missense variant.
Genome position (GRCh38, 1-based): chr6:24,873,645, C>G on the plus strand (G>C on the coding strand, the complement: RIPOR2 is on the minus strand). VCF-style: chr6-24873645-C-G. GRCh37 (hg19) VCF-style: chr6-24873873-C-G.
Other names: c.358G>C, p.Asp120His (NM_001286446.3); c.256G>C, p.Asp86His (NM_001286447.2, NM_001346031.2, NM_001346032.2 and 2 more transcripts); c.256G>C (NM_014722.2); short protein forms D120H, D86H, D115H.
Identifiers: ClinVar variation 2970345 (VCV002970345.4), dbSNP rs780014769, ClinGen allele CA3659587.